The following is an entry in ClinVar:

ClinVar aggregate classification (germline): Uncertain significance. Review status: criteria provided, multiple submitters, no conflicts (2 of 4 stars). 2 submissions from 2 submitters: Uncertain significance (2). Last evaluated 2025-10-23.

Conditions:
Familial cold autoinflammatory syndrome 3 (FCAS3). Also called: ANTIBODY DEFICIENCY AND IMMUNE DYSREGULATION, PLCG2-ASSOCIATED; FAMILIAL ATYPICAL COLD URTICARIA. Identifiers: Orphanet 300359, MedGen C3280914, MONDO:0013766, OMIM 614468.

Allele frequency attached by ClinVar (database versions not stated): TOPMed below 0.00001; gnomAD 0.00001; gnomAD exomes 0.00001 and 0.00002.
gnomAD v4.1: 29 of 1,594,482 alleles (0.0018%); highest among the groups gnomAD compares: Non-Finnish European, 0.0023%; no homozygotes.

Submissions (2):

Labcorp Genetics (formerly Invitae), Labcorp
Classification: Uncertain significance for Familial cold autoinflammatory syndrome 3. Last evaluated: 2025-10-23. Review status: criteria provided, single submitter. Criteria: Invitae Variant Classification Sherloc (09022015). Collection method: clinical testing. Allele origin: germline.
Comment: This sequence change replaces valine, which is neutral and non-polar, with alanine, which is neutral and non-polar, at codon 1103 of the PLCG2 protein (p.Val1103Ala). This variant is present in population databases (no rsID available, gnomAD 0.002%). This variant has not been reported in the literature in individuals affected with PLCG2-related conditions. ClinVar contains an entry for this variant (Variation ID: 972458). An algorithm developed to predict the effect of missense changes on protein structure and function (PolyPhen-2) suggests that this variant is likely to be disruptive. Algorithms developed to predict the effect of sequence changes on RNA splicing suggest that this variant may create or strengthen a splice site. In summary, the available evidence is currently insufficient to determine the role of this variant in disease. Therefore, it has been classified as a Variant of Uncertain Significance.

Mayo Clinic Laboratories, Mayo Clinic
Classification: Uncertain significance. Last evaluated: 2021-03-30. Review status: criteria provided, single submitter. Criteria: ACMG Guidelines, 2015. Collection method: clinical testing. Allele origin: germline.

NM_002661.5(PLCG2):c.3308T>C (p.Val1103Ala)

Gene: PLCG2 (phospholipase C gamma 2; plus strand). Cytogenetic location: 16q23.3.
Variant type: single nucleotide variant.
Coding change: c.3308T>C on transcript NM_002661.5 (MANE Select); coding-DNA position 3308, T replaced by C.
Protein change: p.Val1103Ala; replaces valine 1103 with alanine.
Molecular consequence: missense variant.
Genome position (GRCh38, 1-based): chr16:81,938,910, T>C. VCF-style: chr16-81938910-T-C. GRCh37 (hg19) VCF-style: chr16-81972515-T-C.
Other names: short protein forms V1103A.
Identifiers: ClinVar variation 972458 (VCV000972458.12), dbSNP rs1008211026, ClinGen allele CA285193880.